The following is an entry in ClinVar:

NM_000321.3(RB1):c.1587C>A (p.Tyr529Ter)

Gene: RB1 (RB transcriptional corepressor 1; plus strand). Cytogenetic location: 13q14.2.
Variant type: single nucleotide variant.
Coding change: c.1587C>A on transcript NM_000321.3 (MANE Select); coding-DNA position 1587, C replaced by A.
Protein change: p.Tyr529Ter; replaces tyrosine 529 with a stop codon.
Molecular consequence: nonsense.
Genome position (GRCh38, 1-based): chr13:48,381,335, C>A. VCF-style: chr13-48381335-C-A. GRCh37 (hg19) VCF-style: chr13-48955471-C-A.
Other names: c.1587C>A, p.Tyr529Ter (NM_001407165.1, NM_001407166.1); short protein forms Y529*.
Identifiers: ClinVar variation 2137500 (VCV002137500.7), dbSNP rs1948534023, ClinGen allele CA388163642.
Genomic context (GRCh38, chr13:48,381,335, plus strand): 5'-AACAGATTTGTCTTTCCCATGGATTCTGAATGTGCTTAATTTAAAAGCCTTTGATTTTTA[C>A]AAAGTGATCGAAAGTTTTATCAAAGCAGAAGGCAACTTGACAAGAGAAATGATAAAACAT-3'

ClinVar aggregate classification (germline): Pathogenic. Review status: criteria provided, multiple submitters, no conflicts (2 of 4 stars). 3 submissions from 3 submitters: Pathogenic (3). Last evaluated 2025-06-17.

Conditions:
Hereditary cancer-predisposing syndrome. Also called: Neoplastic Syndromes, Hereditary; Hereditary Cancer Syndrome; Tumor predisposition; Hereditary neoplastic syndrome. Identifiers: Orphanet 140162, MedGen C0027672, MeSH D009386, MONDO:0015356.
Retinoblastoma (RB1). Also called: RETINOBLASTOMA, SOMATIC. Identifiers: Orphanet 790, MedGen C0035335, MeSH D012175, MONDO:0008380, OMIM 180200, HP:0009919. Disease mechanism: loss of function. Inheritance: Both sporadic and heritable forms are tested..

Allele frequency attached by ClinVar (database versions not stated): TOPMed below 0.00001.

Submissions (3):

St. Jude Molecular Pathology, St. Jude Children's Research Hospital
Classification: Pathogenic for Retinoblastoma. Last evaluated: 2025-06-17. Review status: criteria provided, single submitter. Criteria: St. Jude Assertion Criteria 2020. Collection method: clinical testing. Allele origin: germline.
Comment: The RB1 c.1587C>A p.(Tyr529Ter) change is a nonsense variant that is predicted to cause premature protein truncation or absence of protein due to nonsense-mediated decay. This variant has been reported in individuals with retinoblastoma (PMID: 12541220, internal data). This variant is also absent in gnomAD v2.1.1. In summary, this variant meets criteria to be classified as pathogenic.

Ambry Genetics
Classification: Pathogenic for Hereditary cancer-predisposing syndrome. Last evaluated: 2023-12-12. Review status: criteria provided, single submitter. Criteria: Ambry Variant Classification Scheme 2023. Collection method: clinical testing. Allele origin: germline.
Comment: The p.Y529* pathogenic mutation (also known as c.1587C>A), located in coding exon 17 of the RB1 gene, results from a C to A substitution at nucleotide position 1587. This changes the amino acid from a tyrosine to a stop codon within coding exon 17. This alteration has been observed in at multiple individuals with a personal and/or family history that is consistent with RB1-related disease (Richter S et al. Am J Hum Genet, 2003 Feb;72:253-69; Ambry internal data). This variant is considered to be rare based on population cohorts in the Genome Aggregation Database (gnomAD). In addition to the clinical data presented in the literature, this alteration is expected to result in loss of function by premature protein truncation or nonsense-mediated mRNA decay. As such, this alteration is interpreted as a disease-causing mutation.

Labcorp Genetics (formerly Invitae), Labcorp
Classification: Pathogenic for Retinoblastoma. Last evaluated: 2022-07-20. Review status: criteria provided, single submitter. Criteria: Invitae Variant Classification Sherloc (09022015). Collection method: clinical testing. Allele origin: germline.
Comment: For these reasons, this variant has been classified as Pathogenic. This variant is also known as W529X. This premature translational stop signal has been observed in individual(s) with retinoblastoma (PMID: 12541220). This variant is not present in population databases (gnomAD no frequency). This sequence change creates a premature translational stop signal (p.Tyr529*) in the RB1 gene. It is expected to result in an absent or disrupted protein product. Loss-of-function variants in RB1 are known to be pathogenic (PMID: 17096365).

Literature cited by the submitters: PubMed 12541220 (cited by Ambry Genetics and Labcorp Genetics (formerly Invitae), Labcorp); PubMed 17096365 (cited by Labcorp Genetics (formerly Invitae), Labcorp).